The following is an entry in ClinVar:

NM_001466.4(FZD2):c.791C>G (p.Thr264Ser)

Gene: FZD2 (frizzled class receptor 2; plus strand). Cytogenetic location: 17q21.31.
Variant type: single nucleotide variant.
Coding change: c.791C>G on transcript NM_001466.4 (MANE Select); coding-DNA position 791, C replaced by G.
Protein change: p.Thr264Ser; replaces threonine 264 with serine.
Molecular consequence: missense variant.
Genome position (GRCh38, 1-based): chr17:44,558,479, C>G. VCF-style: chr17-44558479-C-G. GRCh37 (hg19) VCF-style: chr17-42635847-C-G.
Other names: short protein forms T264S.
Identifiers: ClinVar variation 2851028 (VCV002851028.3), dbSNP rs2544584205, ClinGen allele CA399794676.

ClinVar aggregate classification (germline): Uncertain significance (1 of 4 stars; one submission).

Submission:

Labcorp Genetics (formerly Invitae), Labcorp
Classification: Uncertain significance. Last evaluated: 2023-03-30. Review status: criteria provided, single submitter. Criteria: Invitae Variant Classification Sherloc (09022015). Collection method: clinical testing. Allele origin: germline.
Comment: In summary, the available evidence is currently insufficient to determine the role of this variant in disease. Therefore, it has been classified as a Variant of Uncertain Significance. Advanced modeling of protein sequence and biophysical properties (such as structural, functional, and spatial information, amino acid conservation, physicochemical variation, residue mobility, and thermodynamic stability) performed at Invitae indicates that this missense variant is not expected to disrupt FZD2 protein function. This variant has not been reported in the literature in individuals affected with FZD2-related conditions. This variant is not present in population databases (gnomAD no frequency). This sequence change replaces threonine, which is neutral and polar, with serine, which is neutral and polar, at codon 264 of the FZD2 protein (p.Thr264Ser).